The following is an entry in ClinVar:

ClinVar aggregate classification (germline): Benign. Review status: criteria provided, multiple submitters, no conflicts (2 of 4 stars). 2 submissions from 2 submitters: Benign (2). Last evaluated 2018-06-18.

Allele frequency attached by ClinVar (database versions not stated): gnomAD 0.20082 and 0.20391; TOPMed 0.20566; 1000 Genomes Project 30x 0.21502; 1000 Genomes Project 0.21865.
gnomAD v4.1: 30,966 of 152,212 alleles (20%); highest among the groups gnomAD compares: East Asian, 33%; 3,381 homozygotes.

Submissions (2):

GeneDx
Classification: Benign. Last evaluated: 2018-06-18. Review status: criteria provided, single submitter. Criteria: GeneDx Variant Classification (06012015). Collection method: clinical testing. Allele origin: germline. Affected: yes.
Comment: This variant is considered likely benign or benign based on one or more of the following criteria: it is a conservative change, it occurs at a poorly conserved position in the protein, it is predicted to be benign by multiple in silico algorithms, and/or has population frequency not consistent with disease.

Breakthrough Genomics
Classification: Benign. Review status: criteria provided, single submitter. Criteria: ACMG Guidelines, 2015. Collection method: not provided. Allele origin: germline. Inheritance: Autosomal dominant inheritance. Affected: yes.

NM_001844.5(COL2A1):c.531+262G>A

Gene: COL2A1 (collagen type II alpha 1 chain; minus strand). Cytogenetic location: 12q13.11.
Variant type: single nucleotide variant.
Coding change: c.531+262G>A on transcript NM_001844.5 (MANE Select); 262 bases into the intron after coding-DNA position 531, G replaced by A.
Molecular consequence: intron variant.
Genome position (GRCh38, 1-based): chr12:47,997,344, C>T on the plus strand (G>A on the coding strand, the complement: COL2A1 is on the minus strand). VCF-style: chr12-47997344-C-T. GRCh37 (hg19) VCF-style: chr12-48391127-C-T.
Other names: c.324+262G>A (NM_033150.3).
Identifiers: ClinVar variation 668947 (VCV000668947.2), dbSNP rs56959315, ClinGen allele CA15757667.